The following is an entry in ClinVar:

ClinVar aggregate classification (germline): Pathogenic (1 of 4 stars; one submission).

Conditions:
Glycogen storage disease, type IV (GSD4). Also called: AMYLOPECTINOSIS; ANDERSEN DISEASE; BRANCHER DEFICIENCY; CIRRHOSIS, FAMILIAL, WITH DEPOSITION OF ABNORMAL GLYCOGEN; GBE1 DEFICIENCY; GLYCOGEN BRANCHING ENZYME DEFICIENCY. Identifiers: Orphanet 367, MedGen C0017923, MONDO:0009292, OMIM 232500.
Glycogen storage disease IV, classic hepatic. Also called: GSD IV, CLASSIC HEPATIC. Identifiers: MedGen C1856301.

Submission:

Labcorp Genetics (formerly Invitae), Labcorp
Classification: Pathogenic for Glycogen storage disease, type IV; Glycogen storage disease IV, classic hepatic. Last evaluated: 2018-10-16. Review status: criteria provided, single submitter. Criteria: Invitae Variant Classification Sherloc (09022015). Collection method: clinical testing. Allele origin: germline.
Comment: For these reasons, this variant has been classified as Pathogenic. Loss-of-function variants in GBE1 are known to be pathogenic (PMID: 9851430, 15452297, 20058079, 23034915). This variant has not been reported in the literature in individuals with GBE1-related disease. This variant is a gross deletion of the genomic region encompassing exons 1-15 of the GBE1 gene, which includes the initiator codon. The 5' end of this event is unknown as it extends beyond the assayed region for this gene and therefore may encompass additional genes. The 3' boundary is likely confined to intron 15 of the GBE1 gene. This is expected to result in an absent or disrupted protein product.

Literature cited by the submitters: PubMed 9851430; PubMed 15452297; PubMed 20058079; PubMed 23034915.

NC_000003.12:g.(?_81499090)_(81761537_?)del

Genes: GBE1 (1,4-alpha-glucan branching enzyme 1; minus strand), LOC123002309 (Sharpr-MPRA regulatory region 13148; plus strand), LOC123002310 (Sharpr-MPRA regulatory region 3128; plus strand), LOC129937077 (ATAC-STARR-seq lymphoblastoid active region 20107; plus strand), LOC129937078 (ATAC-STARR-seq lymphoblastoid silent region 14539; plus strand). Cytogenetic location: 3p12.2.
Variant type: Deletion.
Identifiers: ClinVar variation 658997 (VCV000658997.6).